The following continues an entry in ClinVar:

NM_004004.6(GJB2):c.313_326del (p.Lys105fs)

Gene: GJB2. ClinVar aggregate classification (germline): Pathogenic/Likely pathogenic. Pathogenic (39); Likely pathogenic (1).

Submissions 25 to 40 of 44:

GeneDx
Classification: Pathogenic. Last evaluated: 2021-10-19. Review status: criteria provided, single submitter. Criteria: GeneDx Variant Classification Process June 2021. Collection method: clinical testing. Allele origin: germline. Affected: yes.
Comment: Frameshift variant predicted to result in protein truncation, as the last 122 amino acids are lost and replaced with 4 incorrect amino acids (Stenson et al., 2014); This variant is associated with the following publications: (PMID: 22975760, 30094485, 10218527, 27224056, 25999548, 22567152, 29701678, 30168495, 30344259, 9529365, 29625052, 31980526, 31160754, 33096615, 31589614, 32067424, 26896187)

Department of Otolaryngology – Head & Neck Surgery, Cochlear Implant Center
Classification: Likely pathogenic for Hearing impairment. Last evaluated: 2021-04-12. Review status: criteria provided, single submitter. Criteria: ClinGen HL ACMG Specifications v1. Collection method: clinical testing. Allele origin: germline. Affected: yes.
Comment: PVS1_Strong, PM2_Moderate, PM3_Moderate

HudsonAlpha Institute for Biotechnology
Classification: Pathogenic for Autosomal recessive nonsyndromic hearing loss 1A. Last evaluated: 2021-04-12. Review status: criteria provided, single submitter. Criteria: ACMG Guidelines, 2015. Collection method: research. Allele origin: maternal. Affected: yes. Observed: 1 variant allele. Study: HudsonAlpha-AGHI-WGS.
Comment: ACMG codes:PVS1, PM2, PP5

Revvity Omics, Revvity
Classification: Pathogenic. Last evaluated: 2021-03-26. Review status: criteria provided, single submitter. Criteria: ACMG Guidelines, 2015. Collection method: clinical testing. Allele origin: germline.

INGEBI, INGEBI / CONICET
Classification: Pathogenic for Nonsyndromic hearing loss and deafness. Last evaluated: 2020-08-21. Review status: criteria provided, single submitter. Criteria: ClinGen HL ACMG Specifications v1. Collection method: clinical testing. Allele origin: germline. Inheritance: Autosomal recessive inheritance. Affected: yes. Observed: 2 variant alleles.
Comment: Based on ACMG/AMP guidelines and Hearing Loss Expert Panel specific criteria: the filtering allele frequency of the c.313_326del (p.Lys105fs*5) variant in the GJB2 gene is 0,015% (9/30614 South Asian alleles with 95% CI) in Genome Aggregation Database (calculated by using inverse allele frequency at an online resource), which meets the PM2_Supporting criteria. The c.313_326del variant is predicted to cause a premature stop codon in the only exon of GJB2 that leads to a truncated or absent protein in a gene in which loss-of-function is an established mechanism (PVS1). This variant has been detected in trans with at least 4 pathogenic variants in different hearing loss patients (PMID: 10218527, 10982180, 11551103, 24158611, 27224056) applying to PM3_VeryStrong. This variant meets criteria to be classified as pathogenic for autosomal recessive non-syndromic hearing loss: PM2_Supporting, PVS1, PM3_VeryStrong.

Cambridge Genomics Laboratory, East Genomic Laboratory Hub, NHS Genomic Medicine Service
Classification: Pathogenic for Hearing impairment. Last evaluated: 2020-03-09. Review status: criteria provided, single submitter. Criteria: ACGS Best Practice Guidelines for Variant Classification in Rare Disease 2020. Collection method: clinical testing. Allele origin: germline. Affected: yes. Observed: 1 variant allele.

Myriad Genetics, Inc.
Classification: Pathogenic for Autosomal recessive nonsyndromic hearing loss 1A. Last evaluated: 2019-12-26. Review status: criteria provided, single submitter. Criteria: Myriad Women's Health Autosomal Recessive and X-Linked Classification Criteria (2019). Collection method: clinical testing. Allele origin: unknown.
Comment: NM_004004.5(GJB2):c.313_326del14(K105Gfs*5) is classified as pathogenic in the context of GJB2-related DFNB1 nonsyndromic hearing loss and deafness. Sources cited for classification include the following: PMID 22567152. Classification of NM_004004.5(GJB2):c.313_326del14(K105Gfs*5) is based on the following criteria: The variant causes a premature termination codon that is not expected to be targeted by nonsense-mediated mRNA decay; however, literature evidence strongly supports pathogenicity. Please note: this variant was assessed in the context of healthy population screening.

Illumina Laboratory Services, Illumina
Classification: Pathogenic for Autosomal recessive nonsyndromic hearing loss 1A. Last evaluated: 2018-08-15. Review status: criteria provided, single submitter. Criteria: ICSL Variant Classification Criteria 09 May 2019. Collection method: clinical testing. Allele origin: germline.
Comment: The GJB2 c.313_326delAAGTTCATCAAGGG (p.Lys105GlyfsTer5) variant results in a frameshift and is predicted to result in premature termination of the protein. Across a selection of the available literature, the p.Lys105GlyfsTer5 variant has been identified in a total of 59 individuals with autosomal recessive nonsyndromic hearing loss including 18 homozygotes and 41 compound heterozygotes (Denoyelle et al. 1999; Marlin et al. 2005; Bazazzadegan et al 2012; Mikstiene et al. 2016). Thirty-seven of the compound heterozygotes carry c.35delG, a well known pathogenic variant, on the second allele. The p.Lys105GlyfsTer5 variant was found in a heterozygous state in two control individuals and is reported at a frequency of 0.00032 in the South Asian population of the Genome Aggregation Database. Based on the collective evidence and potential impact of frameshift variants, the p.Lys105GlyfsTer5 variant is classified as pathogenic for autosomal recessive nonsyndromic hearing loss. This variant was observed by ICSL as part of a predisposition screen in an ostensibly healthy population.

Genomic Diagnostic Laboratory, Division of Genomic Diagnostics, Children's Hospital of Philadelphia
Classification: Pathogenic for Deafness, autosomal recessive 1A. Last evaluated: 2017-05-09. Review status: criteria provided, single submitter. Criteria: DGD Variant Analysis Guidelines. Collection method: clinical testing. Allele origin: germline. Affected: yes and no. Observed: 4 variant alleles.

Laboratory for Molecular Medicine, Mass General Brigham Personalized Medicine
Classification: Pathogenic for Rare genetic deafness. Last evaluated: 2017-05-04. Review status: criteria provided, single submitter. Criteria: LMM Criteria. Collection method: clinical testing. Allele origin: germline. Observed: 17 variant alleles.
Comment: The p.Lys105fs variant in GJB2 is a well-known pathogenic variant and has been i dentified in many individuals with hearing loss who were homozygous or compound heterozygous with another pathogenic variant in GJB2 (Marlin 2005). It has been reported in 27/126134 European chromosomes and 10/20780 South Asian chromosomes by the Genome Aggregation Database (dbSNP rs1 99976861). This frequency in the general population is consistent with the carri er frequency for autosomal recessive hearing loss. This variant is predicted to cause a frameshift, which alters the protein's amino acid sequence beginning at position 105 and leads to a premature termination codon 5 amino acids downstream . In summary, this variant meets criteria to be classified as pathogenic for aut osomal recessive hearing loss based on the predicted impact to the protein and m ultiple previously reported affected compound heterozygotes. ACMG/AMP Criteria a pplied: PVS1, PM3_VeryStrong.

Clinical Genetics and Genomics, Karolinska University Hospital
Classification: Pathogenic. Last evaluated: 2017-01-13. Review status: criteria provided, single submitter. Criteria: ACMG Guidelines, 2015. Collection method: clinical testing. Allele origin: germline. Affected: yes. Observed: 1 variant allele.

Eurofins Ntd Llc (ga)
Classification: Pathogenic. Last evaluated: 2015-02-11. Review status: criteria provided, single submitter. Criteria: EGL Classification Definitions. Collection method: clinical testing. Allele origin: germline. Observed: 10 variant alleles, 10 heterozygotes.

Centre for Mendelian Genomics, University Medical Centre Ljubljana
Classification: Pathogenic for Hearing impairment. Last evaluated: 2015-01-13. Review status: criteria provided, single submitter. Criteria: ACMG Guidelines, 2015. Collection method: clinical testing. Allele origin: unknown. Affected: yes.

Genetic Services Laboratory, University of Chicago
Classification: Pathogenic for Hearing impairment. Last evaluated: 2013-02-08. Review status: criteria provided, single submitter. Criteria: ACMG Guidelines, 2007. Collection method: clinical testing. Allele origin: germline. Inheritance: Autosomal recessive inheritance. Affected: yes.

Baylor Genetics
Classification: Pathogenic for Autosomal recessive nonsyndromic hearing loss 1A; Autosomal recessive nonsyndromic hearing loss 1B. Review status: criteria provided, single submitter. Criteria: ACMG Guidelines, 2015. Collection method: clinical testing. Allele origin: germline.

Kasturba Medical College, Manipal, Kasturba Medical College, Manipal, Manipal Academy of Higher Education, Manipal, India
Classification: Pathogenic for Autosomal recessive nonsyndromic hearing loss 1A. Review status: criteria provided, single submitter. Criteria: ACMG Guidelines, 2015. Collection method: research. Allele origin: maternal. Inheritance: Autosomal recessive inheritance. Affected: yes. Observed: 1 heterozygote.
Comment: This variant is observed in heterozygous state in 289 individuals in gnomAD (v4.1.0) and two individuals in our in-house database. This variant is present in homozygous state in one individual in gnomAD (v4.1.0) and absent in our in-house database.